The following is an entry in ClinVar:

NM_000052.7(ATP7A):c.3545T>C (p.Ile1182Thr)

Gene: ATP7A (ATPase copper transporting alpha; plus strand). Cytogenetic location: Xq21.1.
Variant type: single nucleotide variant.
Coding change: c.3545T>C on transcript NM_000052.7 (MANE Select); coding-DNA position 3545, T replaced by C.
Protein change: p.Ile1182Thr; replaces isoleucine 1182 with threonine.
Molecular consequence: missense variant. On other transcripts: non-coding transcript variant (1).
Genome position (GRCh38, 1-based): chrX:78,038,869, T>C. VCF-style: chrX-78038869-T-C. GRCh37 (hg19) VCF-style: chrX-77294367-T-C.
Other names: c.3311T>C, p.Ile1104Thr (NM_001282224.2); c.3545T>C (NM_000052.4); short protein forms I1104T, I1182T.
Identifiers: ClinVar variation 1386904 (VCV001386904.8), dbSNP rs782588862, ClinGen allele CA331107794.

ClinVar aggregate classification (germline): Uncertain significance. Review status: criteria provided, multiple submitters, no conflicts (2 of 4 stars). 3 submissions from 3 submitters: Uncertain significance (3). Last evaluated 2025-07-31.

Conditions:
Inborn genetic diseases. Identifiers: MedGen C0950123, MeSH D030342.
Menkes kinky-hair syndrome (MNK). Also called: Copper transport disease; Menkes Disease; Classic Menkes Disease. Identifiers: Orphanet 565, MedGen C0022716, MONDO:0010651, OMIM 309400.
Cutis laxa, X-linked (OHS). Also called: EDS IX; Occipital horn syndrome. Identifiers: Orphanet 198, MedGen C0268353, MONDO:0010572, OMIM 304150.
X-linked distal spinal muscular atrophy type 3. Also called: ATP7A-Related Distal Motor Neuropathy; SPINAL MUSCULAR ATROPHY, DISTAL, X-LINKED RECESSIVE; NEURONOPATHY, DISTAL HEREDITARY MOTOR, X-LINKED; NEUROPATHY, DISTAL HEREDITARY MOTOR, X-LINKED. Identifiers: Orphanet 139557, MedGen C1845359, MONDO:0010338, OMIM 300489.

Allele frequency attached by ClinVar (database versions not stated): gnomAD exomes below 0.00001.
gnomAD v4.1: 4 of 1,210,432 alleles (0.00033%); highest among the groups gnomAD compares: South Asian, 0.0018%; no homozygotes.

Submissions (3):

Ambry Genetics
Classification: Uncertain significance for Inborn genetic diseases. Last evaluated: 2025-07-31. Review status: criteria provided, single submitter. Criteria: Ambry Variant Classification Scheme 2023. Collection method: clinical testing. Allele origin: germline.

Labcorp Genetics (formerly Invitae), Labcorp
Classification: Uncertain significance for X-linked distal spinal muscular atrophy type 3; Cutis laxa, X-linked; Menkes kinky-hair syndrome. Last evaluated: 2023-07-17. Review status: criteria provided, single submitter. Criteria: Invitae Variant Classification Sherloc (09022015). Collection method: clinical testing. Allele origin: germline.
Comment: This sequence change replaces isoleucine, which is neutral and non-polar, with threonine, which is neutral and polar, at codon 1182 of the ATP7A protein (p.Ile1182Thr). This variant is not present in population databases (gnomAD no frequency). This variant has not been reported in the literature in individuals affected with ATP7A-related conditions. ClinVar contains an entry for this variant (Variation ID: 1386904). Advanced modeling of protein sequence and biophysical properties (such as structural, functional, and spatial information, amino acid conservation, physicochemical variation, residue mobility, and thermodynamic stability) performed at Invitae indicates that this missense variant is not expected to disrupt ATP7A protein function. In summary, the available evidence is currently insufficient to determine the role of this variant in disease. Therefore, it has been classified as a Variant of Uncertain Significance.

Blueprint Genetics
Classification: Uncertain significance. Last evaluated: 2021-12-22. Review status: criteria provided, single submitter. Criteria: ACMG Guidelines, 2015. Collection method: clinical testing. Allele origin: germline.